The following is an entry in ClinVar:

NM_001378452.1(ITPR1):c.3564+9C>T

Gene: ITPR1 (inositol 1,4,5-trisphosphate receptor type 1; plus strand). Cytogenetic location: 3p26.1.
Variant type: single nucleotide variant.
Coding change: c.3564+9C>T on transcript NM_001378452.1 (MANE Select); 9 bases into the intron after coding-DNA position 3564, C replaced by T.
Molecular consequence: intron variant.
Genome position (GRCh38, 1-based): chr3:4,684,355, C>T. VCF-style: chr3-4684355-C-T. GRCh37 (hg19) VCF-style: chr3-4726039-C-T.
Other names: c.3519+9C>T (NM_001168272.1, NM_001168272.2); c.3537+9C>T (NM_001099952.4); c.3492+9C>T (NM_002222.7).
Identifiers: ClinVar variation 900107 (VCV000900107.9), dbSNP rs564799796, ClinGen allele CA2231726.

ClinVar aggregate classification (germline): Conflicting classifications of pathogenicity. Review status: criteria provided, conflicting classifications (1 of 4 stars). 4 submissions from 4 submitters: Uncertain significance (1); Likely benign (3). Last evaluated 2025-10-21.

Conditions:
Autosomal dominant cerebellar ataxia. Also called: Spinocerebellar Ataxia, Dominant. Identifiers: Orphanet 99, MedGen C4087347, MONDO:0020380.

Allele frequency attached by ClinVar (database versions not stated): gnomAD 0.00001; gnomAD exomes 0.00001 and 0.00002; ExAC 0.00002; TOPMed 0.00003; 1000 Genomes Project 30x 0.00016; 1000 Genomes Project 0.00020.
gnomAD v4.1: 32 of 1,596,900 alleles (0.002%); highest among the groups gnomAD compares: Admixed American, 0.0033%; no homozygotes.

Submissions (4):

Athena Diagnostics
Classification: Likely benign. Last evaluated: 2025-10-21. Review status: criteria provided, single submitter. Criteria: Athena Diagnostics Criteria. Collection method: clinical testing. Allele origin: unknown.
Comment: Computational tools yielded predictions that this variant is unlikely to have an effect on normal RNA splicing. This nucleotide position exhibits low evolutionary conservation.

Labcorp Genetics (formerly Invitae), Labcorp
Classification: Likely benign. Last evaluated: 2025-07-07. Review status: criteria provided, single submitter. Criteria: Invitae Variant Classification Sherloc (09022015). Collection method: clinical testing. Allele origin: germline.

Blueprint Genetics
Classification: Likely benign. Last evaluated: 2022-05-27. Review status: criteria provided, single submitter. Criteria: ACMG Guidelines, 2015. Collection method: clinical testing. Allele origin: germline.

Illumina Laboratory Services, Illumina
Classification: Uncertain significance for Spinocerebellar Ataxia, Dominant. Last evaluated: 2018-01-13. Review status: criteria provided, single submitter. Criteria: ICSL Variant Classification Criteria 13 December 2019. Collection method: clinical testing. Allele origin: germline.